The following is an entry in ClinVar:

ClinVar aggregate classification (germline): Pathogenic (1 of 4 stars; one submission).

Conditions:
Retinoblastoma (RB1). Also called: RETINOBLASTOMA, SOMATIC. Identifiers: Orphanet 790, MedGen C0035335, MeSH D012175, MONDO:0008380, OMIM 180200, HP:0009919. Disease mechanism: loss of function. Inheritance: Both sporadic and heritable forms are tested..

Submission:

Labcorp Genetics (formerly Invitae), Labcorp
Classification: Pathogenic for Retinoblastoma. Last evaluated: 2023-08-29. Review status: criteria provided, single submitter. Criteria: Invitae Variant Classification Sherloc (09022015). Collection method: clinical testing. Allele origin: germline.
Comment: For these reasons, this variant has been classified as Pathogenic. This premature translational stop signal has been observed in individual(s) with bilateral retinoblastoma (PMID: 8651278). This variant is not present in population databases (gnomAD no frequency). This sequence change creates a premature translational stop signal (p.Ser816*) in the RB1 gene. It is expected to result in an absent or disrupted protein product. Loss-of-function variants in RB1 are known to be pathogenic (PMID: 17096365).

Literature cited by the submitters: PubMed 8651278; PubMed 17096365.

NM_000321.3(RB1):c.2447C>G (p.Ser816Ter)

Gene: RB1 (RB transcriptional corepressor 1; plus strand). Cytogenetic location: 13q14.2.
Variant type: single nucleotide variant.
Coding change: c.2447C>G on transcript NM_000321.3 (MANE Select); coding-DNA position 2447, C replaced by G.
Protein change: p.Ser816Ter; replaces serine 816 with a stop codon.
Molecular consequence: nonsense.
Genome position (GRCh38, 1-based): chr13:48,465,326, C>G. VCF-style: chr13-48465326-C-G. GRCh37 (hg19) VCF-style: chr13-49039462-C-G.
Other names: c.2447C>G, p.Ser816Ter (NM_001407165.1); short protein forms S816*.
Identifiers: ClinVar variation 2736037 (VCV002736037.3), dbSNP rs1593539493, ClinGen allele CA388168006.